The following is an entry in ClinVar:

ClinVar aggregate classification (germline): Uncertain significance (1 of 4 stars; one submission).

Conditions:
Retinitis pigmentosa 59 (RP59). Identifiers: Orphanet 791, MedGen C3151227, MONDO:0013468, OMIM 613861.

Submission:

Labcorp Genetics (formerly Invitae), Labcorp
Classification: Uncertain significance for Retinitis pigmentosa 59. Last evaluated: 2025-12-17. Review status: criteria provided, single submitter. Criteria: Invitae Variant Classification Sherloc (09022015). Collection method: clinical testing. Allele origin: germline.
Comment: This sequence change replaces serine, which is neutral and polar, with cysteine, which is neutral and slightly polar, at codon 186 of the DHDDS protein (p.Ser186Cys). This variant is present in population databases (rs756090062, gnomAD 0.01%). This variant has not been reported in the literature in individuals affected with DHDDS-related conditions. Invitae Evidence Modeling of protein sequence and biophysical properties (such as structural, functional, and spatial information, amino acid conservation, physicochemical variation, residue mobility, and thermodynamic stability) indicates that this missense variant is not expected to disrupt DHDDS protein function with a negative predictive value of 80%. In summary, the available evidence is currently insufficient to determine the role of this variant in disease. Therefore, it has been classified as a Variant of Uncertain Significance.

NM_205861.3(DHDDS):c.557C>G (p.Ser186Cys)

Gene: DHDDS (dehydrodolichyl diphosphate synthase subunit; plus strand). Cytogenetic location: 1p36.11.
Variant type: single nucleotide variant.
Coding change: c.557C>G on transcript NM_205861.3 (MANE Select); coding-DNA position 557, C replaced by G.
Protein change: p.Ser186Cys; replaces serine 186 with cysteine.
Molecular consequence: missense variant.
Genome position (GRCh38, 1-based): chr1:26,457,805, C>G. VCF-style: chr1-26457805-C-G. GRCh37 (hg19) VCF-style: chr1-26784296-C-G.
Other names: c.455C>G, p.Ser152Cys (NM_001243564.2); c.440C>G, p.Ser147Cys (NM_001243565.2); c.278C>G, p.Ser93Cys (NM_001319959.2); c.557C>G, p.Ser186Cys (NM_024887.4); short protein forms S147C, S186C, S93C, S152C.
Identifiers: ClinVar variation 4763657 (VCV004763657.1).